The following is an entry in ClinVar:

ClinVar aggregate classification (germline): Conflicting classifications of pathogenicity. Review status: criteria provided, conflicting classifications (1 of 4 stars). 3 submissions from 3 submitters: Uncertain significance (1); Likely benign (1). 1 of the submissions does not count toward it. Last evaluated 2024-09-18.

Conditions:
Very long chain acyl-CoA dehydrogenase deficiency (ACADVLD). Also called: VLCAD Deficiency; Very Long-Chain Acyl-Coenzyme A Dehydrogenase Deficiency. Identifiers: Orphanet 26793, MedGen C3887523, MONDO:0008723, OMIM 201475.

Allele frequency attached by ClinVar (database versions not stated): TOPMed 0.00007; gnomAD exomes 0.00032; gnomAD 0.00068 and 0.00071.
gnomAD v4.1: 448 of 1,534,904 alleles (0.029%); highest among the groups gnomAD compares: Non-Finnish European, 0.015%; 1 homozygote.

Submissions (3):

Blueprint Genetics
Classification: Likely benign. Last evaluated: 2024-09-18. Review status: criteria provided, single submitter. Criteria: ACMG Guidelines, 2015. Collection method: clinical testing. Allele origin: germline.

CeGaT Center for Human Genetics Tuebingen
Classification: Uncertain significance. Last evaluated: 2023-01-01. Review status: criteria provided, single submitter. Criteria: CeGaT Center For Human Genetics Tuebingen Variant Classification Criteria Version 2. Collection method: clinical testing. Allele origin: germline. Affected: yes. Observed: 1 variant allele.
Comment: ACADVL: PP3

Counsyl
Classification: Uncertain significance for Very long chain acyl-CoA dehydrogenase deficiency. Last evaluated: 2017-03-08. Review status: no assertion criteria provided. Collection method: clinical testing. Allele origin: unknown. Not counted in ClinVar's aggregate classification.

NM_000018.3(ACADVL):c.-2246A>G

Genes: ACADVL (acyl-CoA dehydrogenase very long chain; plus strand), DLG4 (discs large MAGUK scaffold protein 4; minus strand). Cytogenetic location: 17p13.1.
Variant type: single nucleotide variant.
Coding change: c.-2246A>G on transcript NM_000018.3; 2246 bases upstream of the start codon, A replaced by G.
Molecular consequence: missense variant (on NM_001270447.2). On other transcripts: intron variant (2).
Genome position (GRCh38, 1-based): chr17:7,217,739, A>G. VCF-style: chr17-7217739-A-G. GRCh37 (hg19) VCF-style: chr17-7121058-A-G.
Other names: c.52A>G, p.Ile18Val (NM_001270447.2); c.159+502T>C (NM_001365.5, NM_001321074.1); short protein forms I18V.
Identifiers: ClinVar variation 180253 (VCV000180253.27), dbSNP rs730880036, ClinGen allele CA346141.